The following is an entry in ClinVar:

NM_022897.5(RANBP17):c.529G>A (p.Ala177Thr)

Gene: RANBP17 (RAN binding protein 17; plus strand). Cytogenetic location: 5q35.1.
Variant type: single nucleotide variant.
Coding change: c.529G>A on transcript NM_022897.5 (MANE Select); coding-DNA position 529, G replaced by A.
Protein change: p.Ala177Thr; replaces alanine 177 with threonine.
Molecular consequence: missense variant.
Genome position (GRCh38, 1-based): chr5:170,909,700, G>A. VCF-style: chr5-170909700-G-A. GRCh37 (hg19) VCF-style: chr5-170336704-G-A.
Other names: short protein forms A177T.
Identifiers: ClinVar variation 3044902 (VCV003044902.2), dbSNP rs80184931, ClinGen allele CA3557143.
Genomic context (GRCh38, chr5:170,909,700, plus strand): 5'-ATTTCATCTTTATCTTTTTAGGTTGATTATTCTAGACCTTCAGCAAAACACAGGAAAATA[G>A]CTACCTCATTTCGTGATACTTCTCTCAAAGACGTTTTAGTGCTAGCATGCTCTCTTTTAA-3'
Protein context (NP_075048.1, residues 167-187): SRPSAKHRKI[Ala177Thr]TSFRDTSLKD

ClinVar aggregate classification (germline): Benign (0 of 4 stars; one submission).

Conditions:
RANBP17-related disorder. Also called: RANBP17-related condition.

Allele frequency attached by ClinVar (database versions not stated): gnomAD exomes 0.00254; gnomAD 0.00259; TOPMed 0.00265; ExAC 0.00536; 1000 Genomes Project 30x 0.01171; 1000 Genomes Project 0.01238; ESP Exome Variant Server 0.00023.

Submission:

PreventionGenetics, part of Exact Sciences
Classification: Benign for RANBP17-related condition. Last evaluated: 2019-02-20. Review status: no assertion criteria provided. Collection method: clinical testing. Allele origin: germline.
Comment: This variant is classified as benign based on ACMG/AMP sequence variant interpretation guidelines (Richards et al. 2015 PMID: 25741868, with internal and published modifications).